The following is an entry in ClinVar:

ClinVar aggregate classification (germline): Conflicting classifications of pathogenicity. Review status: criteria provided, conflicting classifications (1 of 4 stars). 3 submissions from 3 submitters: Uncertain significance (1); Likely benign (2). Last evaluated 2025-09-28.

Conditions:
Inborn genetic diseases. Identifiers: MedGen C0950123, MeSH D030342.
Developmental and epileptic encephalopathy, 14 (DEE14). Also called: Early infantile epileptic encephalopathy 14. Identifiers: Orphanet 293181, MedGen C3554195, MONDO:0013989, OMIM 614959.
Autosomal dominant nocturnal frontal lobe epilepsy 5. Also called: CILIARY DYSKINESIA, PRIMARY, 28, WITH SITUS INVERSUS; Epilepsy, nocturnal frontal lobe, 5; CILIARY DYSKINESIA, PRIMARY, 28, WITHOUT SITUS INVERSUS; KCNT1-Related Epilepsy. Identifiers: Orphanet 98784, MedGen C3554306, MONDO:0014002, OMIM 615005.

Allele frequency attached by ClinVar (database versions not stated): gnomAD exomes 0.00001 and 0.00002; ExAC 0.00002; gnomAD 0.00003 and 0.00004; TOPMed 0.00004; ESP Exome Variant Server 0.00008.
gnomAD v4.1: 27 of 1,613,818 alleles (0.0017%); highest among the groups gnomAD compares: South Asian, 0.0088%; no homozygotes.

Submissions (3):

Labcorp Genetics (formerly Invitae), Labcorp
Classification: Uncertain significance for Autosomal dominant nocturnal frontal lobe epilepsy 5; Developmental and epileptic encephalopathy, 14. Last evaluated: 2025-09-28. Review status: criteria provided, single submitter. Criteria: Invitae Variant Classification Sherloc (09022015). Collection method: clinical testing. Allele origin: germline.
Comment: This sequence change replaces threonine, which is neutral and polar, with methionine, which is neutral and non-polar, at codon 1188 of the KCNT1 protein (p.Thr1188Met). This variant is present in population databases (rs370090905, gnomAD 0.008%). This variant has not been reported in the literature in individuals affected with KCNT1-related conditions. ClinVar contains an entry for this variant (Variation ID: 423806). Invitae Evidence Modeling of protein sequence and biophysical properties (such as structural, functional, and spatial information, amino acid conservation, physicochemical variation, residue mobility, and thermodynamic stability) indicates that this missense variant is not expected to disrupt KCNT1 protein function with a negative predictive value of 80%. In summary, the available evidence is currently insufficient to determine the role of this variant in disease. Therefore, it has been classified as a Variant of Uncertain Significance.

Ambry Genetics
Classification: Likely benign for Inborn genetic diseases. Last evaluated: 2023-04-28. Review status: criteria provided, single submitter. Criteria: Ambry Variant Classification Scheme 2023. Collection method: clinical testing. Allele origin: germline.

GeneDx
Classification: Likely benign. Last evaluated: 2019-01-08. Review status: criteria provided, single submitter. Criteria: GeneDx Variant Classification Process June 2021. Collection method: clinical testing. Allele origin: germline. Affected: yes.

NM_020822.3(KCNT1):c.3563C>T (p.Thr1188Met)

Gene: KCNT1 (potassium sodium-activated channel subfamily T member 1; plus strand). Cytogenetic location: 9q34.3.
Variant type: single nucleotide variant.
Coding change: c.3563C>T on transcript NM_020822.3 (MANE Select); coding-DNA position 3563, C replaced by T.
Protein change: p.Thr1188Met; replaces threonine 1188 with methionine.
Molecular consequence: missense variant.
Genome position (GRCh38, 1-based): chr9:135,791,857, C>T. VCF-style: chr9-135791857-C-T. GRCh37 (hg19) VCF-style: chr9-138683703-C-T.
Other names: c.3491C>T, p.Thr1164Met (NM_001272003.2); short protein forms T1188M, T1164M.
Identifiers: ClinVar variation 423806 (VCV000423806.12), dbSNP rs370090905, ClinGen allele CA5327949.